The following is an entry in ClinVar:

NM_001270508.2(TNFAIP3):c.626T>G (p.Val209Gly)

Genes: TNFAIP3 (TNF alpha induced protein 3; plus strand), LOC126859807 (MED14-independent group 3 enhancer GRCh37_chr6:138196296-138197495; plus strand). Cytogenetic location: 6q23.3.
Variant type: single nucleotide variant.
Coding change: c.626T>G on transcript NM_001270508.2 (MANE Select); coding-DNA position 626, T replaced by G.
Protein change: p.Val209Gly; replaces valine 209 with glycine.
Molecular consequence: missense variant.
Genome position (GRCh38, 1-based): chr6:137,875,827, T>G. VCF-style: chr6-137875827-T-G. GRCh37 (hg19) VCF-style: chr6-138196964-T-G.
Other names: c.626T>G, p.Val209Gly (NM_001270507.2, NM_006290.4); short protein forms V209G.
Identifiers: ClinVar variation 2133825 (VCV002133825.4), dbSNP rs2482734158, ClinGen allele CA365783857.
Genomic context (GRCh38, chr6:137,875,827, plus strand): 5'-ACTCACTGGAAGAAATACACATATTTGTCCTTTGCAACATCCTCAGAAGGCCAATCATTG[T>G]CATTTCAGGTGAGATGCCTGCAGATCACGGATCTGTACTTAAATGCTTTCAGCCTTATGC-3'
Protein context (NP_001257437.1, residues 199-219): LCNILRRPII[Val209Gly]ISDKMLRSLE

ClinVar aggregate classification (germline): Uncertain significance (1 of 4 stars; one submission).

Submission:

Labcorp Genetics (formerly Invitae), Labcorp
Classification: Uncertain significance. Last evaluated: 2022-05-04. Review status: criteria provided, single submitter. Criteria: Invitae Variant Classification Sherloc (09022015). Collection method: clinical testing. Allele origin: germline.
Comment: In summary, the available evidence is currently insufficient to determine the role of this variant in disease. Therefore, it has been classified as a Variant of Uncertain Significance. Algorithms developed to predict the effect of sequence changes on RNA splicing suggest that this variant may disrupt the consensus splice site. Algorithms developed to predict the effect of missense changes on protein structure and function are either unavailable or do not agree on the potential impact of this missense change (SIFT: "Deleterious"; PolyPhen-2: "Probably Damaging"; Align-GVGD: "Class C0"). This variant has not been reported in the literature in individuals affected with TNFAIP3-related conditions. This variant is not present in population databases (gnomAD no frequency). This sequence change replaces valine, which is neutral and non-polar, with glycine, which is neutral and non-polar, at codon 209 of the TNFAIP3 protein (p.Val209Gly).